The following is an entry in ClinVar:

NM_002691.4(POLD1):c.2885del (p.Leu962fs)

Gene: POLD1 (DNA polymerase delta 1, catalytic subunit; plus strand). Cytogenetic location: 19q13.33.
Variant type: Deletion.
Coding change: c.2885del on transcript NM_002691.4 (MANE Select); coding-DNA position 2885, one base deleted (T; older notation c.2885delT).
Protein change: p.Leu962fs; shifts the reading frame from leucine 962.
Molecular consequence: frameshift variant. On other transcripts: non-coding transcript variant (1).
Genome position (GRCh38, 1-based): chr19:50,416,460, T deleted. VCF-style (leftmost placement, unchanged base first): chr19-50416459-CT-C. GRCh37 (hg19) VCF-style: chr19-50919716-CT-C.
Other names: c.2885del, p.Leu962fs (NM_001256849.1); c.2963del, p.Leu988fs (NM_001308632.1); short protein forms L988fs, L962fs.
Identifiers: ClinVar variation 2095088 (VCV002095088.4), dbSNP rs2514065858, ClinGen allele CA2580097833.

ClinVar aggregate classification (germline): Uncertain significance (1 of 4 stars; one submission).

Conditions:
POLD1-related polyposis and colorectal cancer syndrome (CRCS10). Also called: Colorectal cancer 10; COLORECTAL CANCER, SUSCEPTIBILITY TO, ON CHROMOSOME 19q; Colorectal cancer, susceptibility to, 10. Identifiers: Orphanet 220460, MedGen C2675481, MONDO:0012953, OMIM 612591.

Submission:

Labcorp Genetics (formerly Invitae), Labcorp
Classification: Uncertain significance for POLD1-related polyposis and colorectal cancer syndrome. Last evaluated: 2022-02-11. Review status: criteria provided, single submitter. Criteria: Invitae Variant Classification Sherloc (09022015). Collection method: clinical testing. Allele origin: germline.
Comment: In summary, the available evidence is currently insufficient to determine the role of this variant in disease. Therefore, it has been classified as a Variant of Uncertain Significance. This variant has not been reported in the literature in individuals affected with POLD1-related conditions. This variant is not present in population databases (gnomAD no frequency). This sequence change creates a premature translational stop signal (p.Leu962Argfs*83) in the POLD1 gene. Missense variants that disrupt the 3'-5' exonuclease (proof-reading) activity of the POLD1 protein are associated with an increased risk for colonic adenomatous polyps and colon cancer (PMID: 23263490, 23447401). However, loss-of-function variants that result in an absent or severely disrupted POLD1 protein, and missense variants outside the exonuclease domain, are unlikely to be associated with polyposis or colon cancer.

Literature cited by the submitters: PubMed 23263490; PubMed 23447401.